The following is an entry in ClinVar:

NM_024685.4(BBS10):c.1121T>C (p.Leu374Pro)

Gene: BBS10 (Bardet-Biedl syndrome 10; minus strand). Cytogenetic location: 12q21.2.
Variant type: single nucleotide variant.
Coding change: c.1121T>C on transcript NM_024685.4 (MANE Select); coding-DNA position 1121, T replaced by C.
Protein change: p.Leu374Pro; replaces leucine 374 with proline.
Molecular consequence: missense variant.
Genome position (GRCh38, 1-based): chr12:76,346,864, A>G on the plus strand (T>C on the coding strand, the complement: BBS10 is on the minus strand). VCF-style: chr12-76346864-A-G. GRCh37 (hg19) VCF-style: chr12-76740644-A-G.
Other names: short protein forms L374P.
Identifiers: ClinVar variation 4743667 (VCV004743667.1).

ClinVar aggregate classification (germline): Uncertain significance (1 of 4 stars; one submission).

Conditions:
Bardet-Biedl syndrome (BBS). Identifiers: Orphanet 110, MedGen C0752166, MONDO:0015229.

Submission:

Labcorp Genetics (formerly Invitae), Labcorp
Classification: Uncertain significance for Bardet-Biedl syndrome. Last evaluated: 2025-03-06. Review status: criteria provided, single submitter. Criteria: Invitae Variant Classification Sherloc (09022015). Collection method: clinical testing. Allele origin: germline.
Comment: This sequence change replaces leucine, which is neutral and non-polar, with proline, which is neutral and non-polar, at codon 374 of the BBS10 protein (p.Leu374Pro). This variant is not present in population databases (gnomAD no frequency). This missense change has been observed in individual(s) with Bardet-Biedl syndrome (internal data). In at least one individual the data is consistent with being in trans (on the opposite chromosome) from a pathogenic variant. Invitae Evidence Modeling of protein sequence and biophysical properties (such as structural, functional, and spatial information, amino acid conservation, physicochemical variation, residue mobility, and thermodynamic stability) has been performed for this missense variant. However, the output from this modeling did not meet the statistical confidence thresholds required to predict the impact of this variant on BBS10 protein function. In summary, the available evidence is currently insufficient to determine the role of this variant in disease. Therefore, it has been classified as a Variant of Uncertain Significance.